The following is an entry in ClinVar:

NM_001127222.2(CACNA1A):c.4466T>C (p.Phe1489Ser)

Gene: CACNA1A (calcium voltage-gated channel subunit alpha1 A; minus strand). Cytogenetic location: 19p13.13.
Variant type: single nucleotide variant.
Coding change: c.4466T>C on transcript NM_001127222.2 (MANE Select); coding-DNA position 4466, T replaced by C.
Protein change: p.Phe1489Ser; replaces phenylalanine 1489 with serine.
Molecular consequence: missense variant.
Genome position (GRCh38, 1-based): chr19:13,257,474, A>G on the plus strand (T>C on the coding strand, the complement: CACNA1A is on the minus strand). VCF-style: chr19-13257474-A-G. GRCh37 (hg19) VCF-style: chr19-13368288-A-G.
Other names: F1491S; c.4478T>C, p.Phe1493Ser (NM_000068.4, NM_023035.3); c.4469T>C, p.Phe1490Ser (NM_001127221.2, NM_001174080.2); short protein forms F1489S, F1490S, F1493S.
Identifiers: ClinVar variation 8498 (VCV000008498.4), dbSNP rs121908233, ClinGen allele CA254443.
Genomic context (GRCh38, chr19:13,257,474, plus strand): 5'-ATCAAGGCCACAAAGATATTGACAAAGAAGAAGGGGAACACCACAAAGTAGACGACGTAG[A>G]AAATGGACATCTCCATGCGGTACCCGGGGCTGGGGCCCTGGTTCTCAAAGGTGGCGTCCA-3'
Protein context (NP_001120694.1, residues 1479-1499): SPGYRMEMSI[Phe1489Ser]YVVYFVVFPF

ClinVar aggregate classification (germline): Likely pathogenic. Review status: criteria provided, single submitter (1 of 4 stars). 3 submissions from 3 submitters: Likely pathogenic (1). 2 of the submissions do not count toward it. Last evaluated 2021-07-12.

Conditions:
Episodic ataxia type 2 (EA2). Also called: EPISODIC ATAXIA, NYSTAGMUS-ASSOCIATED; ACETAZOLAMIDE-RESPONSIVE HEREDITARY PAROXYSMAL CEREBELLAR ATAXIA; ATAXIA, EPISODIC, WITH NYSTAGMUS; ATAXIA, FAMILIAL PAROXYSMAL; CEREBELLAR ATAXIA, PAROXYSMAL, ACETAZOLAMIDE-RESPONSIVE; CEREBELLOPATHY, HEREDITARY PAROXYSMAL. Identifiers: Orphanet 97, MedGen C1720416, MONDO:0007163, OMIM 108500.

Submissions (3):

Molecular Medicine for Neurodegenerative and Neuromuscular Diseases Unit, IRCCS Fondazione Stella Maris
Classification: Likely pathogenic for Episodic ataxia type 2. Last evaluated: 2021-07-12. Review status: criteria provided, single submitter. Criteria: ACMG Guidelines, 2015. Collection method: research. Allele origin: unknown. Affected: yes.

OMIM
Classification: Pathogenic for EPISODIC ATAXIA, TYPE 2. Last evaluated: 2001-03-01. Review status: no assertion criteria provided. Collection method: literature only. Allele origin: germline. Not counted in ClinVar's aggregate classification.

UniProtKB/Swiss-Prot
No classification provided. Condition: Episodic ataxia type 2. Review status: no classification provided. Collection method: not provided. Allele origin: not provided. Not counted in ClinVar's aggregate classification.
Comment: F1491S in PubMed 15173248

Literature cited by the submitters: PubMed 11179022 (cited by OMIM).